The following is an entry in ClinVar:

ClinVar aggregate classification (germline): Uncertain significance (1 of 4 stars; one submission).

Conditions:
Inborn genetic diseases. Identifiers: MedGen C0950123, MeSH D030342.

Submission:

Ambry Genetics
Classification: Uncertain significance for Inborn genetic diseases. Last evaluated: 2026-02-13. Review status: criteria provided, single submitter. Criteria: Ambry Variant Classification Scheme 2023. Collection method: clinical testing. Allele origin: germline.
Comment: The p.E562A variant (also known as c.1685A>C), located in coding exon 1 of the SAMD9L gene, results from an A to C substitution at nucleotide position 1685. The glutamic acid at codon 562 is replaced by alanine, an amino acid with dissimilar properties. This amino acid position is conserved. In addition, this alteration is predicted to be tolerated by in silico analysis. Based on the available evidence, the clinical significance of this variant remains unclear.

NM_152703.5(SAMD9L):c.1685A>C (p.Glu562Ala)

Gene: SAMD9L (sterile alpha motif domain containing 9 like; minus strand). Cytogenetic location: 7q21.2.
Variant type: single nucleotide variant.
Coding change: c.1685A>C on transcript NM_152703.5 (MANE Select); coding-DNA position 1685, A replaced by C.
Protein change: p.Glu562Ala; replaces glutamic acid 562 with alanine.
Molecular consequence: missense variant.
Genome position (GRCh38, 1-based): chr7:93,134,287, T>G on the plus strand (A>C on the coding strand, the complement: SAMD9L is on the minus strand). VCF-style: chr7-93134287-T-G. GRCh37 (hg19) VCF-style: chr7-92763600-T-G.
Other names: c.1685A>C, p.Glu562Ala (NM_001350084.2, NM_001350085.2, NM_001303496.3 and 5 more transcripts); short protein forms E562A.
Identifiers: ClinVar variation 4844824 (VCV004844824.1).